The following is an entry in ClinVar:

NM_004104.5(FASN):c.7114G>A (p.Val2372Met)

Gene: FASN (fatty acid synthase; minus strand). Cytogenetic location: 17q25.3.
Variant type: single nucleotide variant.
Coding change: c.7114G>A on transcript NM_004104.5 (MANE Select); coding-DNA position 7114, G replaced by A.
Protein change: p.Val2372Met; replaces valine 2372 with methionine.
Molecular consequence: missense variant.
Genome position (GRCh38, 1-based): chr17:82,080,172, C>T on the plus strand (G>A on the coding strand, the complement: FASN is on the minus strand). VCF-style: chr17-82080172-C-T. GRCh37 (hg19) VCF-style: chr17-80038048-C-T.
Other names: short protein forms V2372M.
Identifiers: ClinVar variation 3649164 (VCV003649164.2).

ClinVar aggregate classification (germline): Uncertain significance (1 of 4 stars; one submission).

Conditions:
Epileptic encephalopathy. Identifiers: MedGen C0543888, HP:0200134.

gnomAD v4.1: 55 of 1,613,228 alleles (0.0034%); highest among the groups gnomAD compares: East Asian, 0.047%; no homozygotes.

Submission:

Labcorp Genetics (formerly Invitae), Labcorp
Classification: Uncertain significance for Epileptic encephalopathy. Last evaluated: 2025-10-23. Review status: criteria provided, single submitter. Criteria: Invitae Variant Classification Sherloc (09022015). Collection method: clinical testing. Allele origin: germline.
Comment: This sequence change replaces valine, which is neutral and non-polar, with methionine, which is neutral and non-polar, at codon 2372 of the FASN protein (p.Val2372Met). This variant is present in population databases (rs147197890, gnomAD 0.1%), and has an allele count higher than expected for a pathogenic variant. This variant has not been reported in the literature in individuals affected with FASN-related conditions. ClinVar contains an entry for this variant (Variation ID: 3649164). An algorithm developed to predict the effect of missense changes on protein structure and function outputs the following: PolyPhen-2: "Benign". The methionine amino acid residue is found in multiple mammalian species, which suggests that this missense change does not adversely affect protein function. In summary, the available evidence is currently insufficient to determine the role of this variant in disease. Therefore, it has been classified as a Variant of Uncertain Significance.